The following is an entry in ClinVar:

ClinVar aggregate classification (germline): Benign (1 of 4 stars; one submission).

Submission:

Unidad de Genómica Garrahan, Hospital de Pediatría Garrahan
Classification: Benign. Last evaluated: 2024-01-24. Review status: criteria provided, single submitter. Criteria: ACMG Guidelines, 2015. Collection method: clinical testing. Allele origin: germline. Affected: no. Observed: 20 variant alleles.
Comment: This variant is classified as Benign based on local population frequency. This variant was detected in 23% of patients studied by a panel of primary immunodeficiencies. Number of patients: 20. Only high quality variants are reported.

NM_001111.5(ADAR):c.1602-114_1602-112dup

Gene: ADAR (adenosine deaminase RNA specific; minus strand). Cytogenetic location: 1q21.3.
Variant type: Duplication.
Coding change: c.1602-114_1602-112dup on transcript NM_001111.5 (MANE Select); 114 bases into the intron before coding-DNA position 1602 through 112 bases into the intron before coding-DNA position 1602, 3 bases duplicated (CAC; older notation c.1602-114_1602-112dupCAC).
Molecular consequence: intron variant.
Genome position (GRCh38, 1-based): chr1:154,598,697-154,598,699, GTG duplicated on the plus strand (CAC on the coding strand, the reverse complement: ADAR is on the minus strand); duplicating any 3 consecutive bases within chr1:154,598,697-154,598,700 gives the same sequence; the c. name uses the placement nearest the transcript's 3' end. VCF-style (leftmost placement, unchanged base first): chr1-154598696-T-TGTG. GRCh37 (hg19) VCF-style: chr1-154571172-T-TGTG.
Other names: c.717-114_717-112dup (NM_001365046.1, NM_001025107.3, NM_001365048.1 and 3 more transcripts); c.1629-114_1629-112dup (NM_001365045.1); c.1602-114_1602-112dup (NM_015841.4, NM_015840.4).
Identifiers: ClinVar variation 2688492 (VCV002688492.2), dbSNP rs2526616614, ClinGen allele CA2697554580.